The following is an entry in ClinVar:

ClinVar aggregate classification (germline): Uncertain significance (1 of 4 stars; one submission).

Conditions:
Neuronal ceroid lipofuscinosis 7 (CLN7). Also called: MFSD8-Related Neuronal Ceroid-Lipofuscinosis. Identifiers: Orphanet 168491, Orphanet 228366, MedGen C1838571, MONDO:0012588, OMIM 610951.

Submission:

Labcorp Genetics (formerly Invitae), Labcorp
Classification: Uncertain significance for Ceroid lipofuscinosis neuronal 7. Last evaluated: 2019-05-14. Review status: criteria provided, single submitter. Criteria: Invitae Variant Classification Sherloc (09022015). Collection method: clinical testing. Allele origin: germline.
Comment: This variant results in a copy number gain of the genomic region encompassing the full coding sequence of the MFSD8 gene. The boundaries of this event are unknown as they extend beyond the assayed region for this gene and therefore may encompass additional genes. As the precise location of this event is unknown, it may be in tandem or it may be located elsewhere in the genome. This variant has not been reported in the literature in individuals with MFSD8-related conditions. In summary, the available evidence is currently insufficient to determine the role of this variant in disease. Therefore, it has been classified as a Variant of Uncertain Significance.

NC_000004.12:g.(?_127920610)_(127965153_?)dup

Gene: MFSD8 (major facilitator superfamily domain containing 8; minus strand). Cytogenetic location: 4q28.2.
Variant type: Duplication.
Identifiers: ClinVar variation 833470 (VCV000833470.1).